The following is an entry in ClinVar:

NM_201384.3(PLEC):c.2828C>T (p.Ala943Val)

Gene: PLEC (plectin; minus strand). Cytogenetic location: 8q24.3.
Variant type: single nucleotide variant.
Coding change: c.2828C>T on transcript NM_201384.3 (MANE Select); coding-DNA position 2828, C replaced by T.
Protein change: p.Ala943Val; replaces alanine 943 with valine.
Molecular consequence: missense variant.
Genome position (GRCh38, 1-based): chr8:143,929,741, G>A on the plus strand (C>T on the coding strand, the complement: PLEC is on the minus strand). VCF-style: chr8-143929741-G-A. GRCh37 (hg19) VCF-style: chr8-145003909-G-A.
Other names: c.2909C>T, p.Ala970Val (NM_000445.5); c.2786C>T, p.Ala929Val (NM_201378.4); c.2762C>T, p.Ala921Val (NM_201379.3); c.3239C>T, p.Ala1080Val (NM_201380.4); c.2732C>T, p.Ala911Val (NM_201381.3); c.2828C>T, p.Ala943Val (NM_201382.4); c.2840C>T, p.Ala947Val (NM_201383.3); short protein forms A1080V, A911V, A921V, A929V, A943V, A947V, A970V.
Identifiers: ClinVar variation 423528 (VCV000423528.10), dbSNP rs373846942, ClinGen allele CA4927332.

ClinVar aggregate classification (germline): Uncertain significance. Review status: criteria provided, multiple submitters, no conflicts (2 of 4 stars). 2 submissions from 2 submitters: Uncertain significance (2). Last evaluated 2025-10-24.

Conditions:
Epidermolysis bullosa simplex with nail dystrophy (EBS5D). Identifiers: MedGen C4225309, MONDO:0014661, OMIM 616487.
Autosomal recessive limb-girdle muscular dystrophy type 2Q (LGMDR17). Also called: MUSCULAR DYSTROPHY, LIMB-GIRDLE, AUTOSOMAL RECESSIVE 17. Identifiers: Orphanet 254361, MedGen C3150989, MONDO:0013390, OMIM 613723.
Epidermolysis bullosa simplex 5B, with muscular dystrophy (EBS5B). Also called: Epidermolysis bullosa simplex with muscular dystrophy; EPIDERMOLYSIS BULLOSA SIMPLEX AND LIMB-GIRDLE MUSCULAR DYSTROPHY. Identifiers: Orphanet 257, MedGen C2931072, MONDO:0009181, OMIM 226670.
Epidermolysis bullosa simplex, Ogna type (EBS5A). Also called: Pidermolysis bullosa simplex 5A, Ogna type; EPIDERMOLYSIS BULLOSA SIMPLEX 5A, OGNA TYPE. Identifiers: Orphanet 79401, MedGen C0432317, MONDO:0007555, OMIM 131950.
Epidermolysis bullosa simplex 5C, with pyloric atresia (EBS5C). Also called: Epidermolysis bullosa simplex with pyloric atresia; PLEC1-Related Epidermolysis Bullosa with Pyloric Atresia; PLEC-Related Epidermolysis Bullosa with Pyloric Atresia. Identifiers: Orphanet 158684, MedGen C2677349, MONDO:0012807, OMIM 612138.

Allele frequency attached by ClinVar (database versions not stated): ExAC 0.00003; gnomAD 0.00003; TOPMed 0.00003; gnomAD exomes 0.00004; ESP Exome Variant Server 0.00008; 1000 Genomes Project 0.00020; 1000 Genomes Project 30x 0.00031.
gnomAD v4.1: 33 of 1,599,516 alleles (0.0021%); highest among the groups gnomAD compares: Middle Eastern, 0.017%; no homozygotes.

Submissions (2):

GeneDx
Classification: Uncertain significance. Last evaluated: 2025-10-24. Review status: criteria provided, single submitter. Criteria: GeneDx Variant Classification Process June 2021. Collection method: clinical testing. Allele origin: germline. Affected: yes.
Comment: In silico analysis supports that this missense variant has a deleterious effect on protein structure/function; Missense variant in a gene in which most reported pathogenic variants are truncating/loss-of-function; Has not been previously published as pathogenic or benign to our knowledge; This variant is associated with the following publications: (PMID: 27535533)

Labcorp Genetics (formerly Invitae), Labcorp
Classification: Uncertain significance for Autosomal recessive limb-girdle muscular dystrophy type 2Q; Epidermolysis bullosa simplex, Ogna type; Epidermolysis bullosa simplex with nail dystrophy; Epidermolysis bullosa simplex 5C, with pyloric atresia; Epidermolysis bullosa simplex 5B, with muscular dystrophy. Last evaluated: 2025-06-22. Review status: criteria provided, single submitter. Criteria: Invitae Variant Classification Sherloc (09022015). Collection method: clinical testing. Allele origin: germline.
Comment: This sequence change replaces alanine, which is neutral and non-polar, with valine, which is neutral and non-polar, at codon 970 of the PLEC protein (p.Ala970Val). This variant is present in population databases (rs373846942, gnomAD 0.03%). This variant has not been reported in the literature in individuals affected with PLEC-related conditions. ClinVar contains an entry for this variant (Variation ID: 423528). Invitae Evidence Modeling of protein sequence and biophysical properties (such as structural, functional, and spatial information, amino acid conservation, physicochemical variation, residue mobility, and thermodynamic stability) indicates that this missense variant is not expected to disrupt PLEC protein function with a negative predictive value of 80%. In summary, the available evidence is currently insufficient to determine the role of this variant in disease. Therefore, it has been classified as a Variant of Uncertain Significance.